The following is an entry in ClinVar:

NM_001174147.2(LMX1B):c.209del (p.Arg70fs)

Gene: LMX1B (LIM homeobox transcription factor 1 beta; plus strand). Cytogenetic location: 9q33.3.
Variant type: Deletion.
Coding change: c.209del on transcript NM_001174147.2 (MANE Select); coding-DNA position 209, one base deleted (G; older notation c.209delG).
Protein change: p.Arg70fs; shifts the reading frame from arginine 70.
Molecular consequence: frameshift variant.
Genome position (GRCh38, 1-based): chr9:126,615,452, G deleted. VCF-style (leftmost placement, unchanged base first): chr9-126615451-CG-C. GRCh37 (hg19) VCF-style: chr9-129377730-CG-C.
Other names: c.209del, p.Arg70fs (NM_001174146.2, NM_002316.4); short protein forms R70fs.
Identifiers: ClinVar variation 2754663 (VCV002754663.3), dbSNP rs2490517965, ClinGen allele CA2697558030.

ClinVar aggregate classification (germline): Pathogenic (1 of 4 stars; one submission).

Submission:

Labcorp Genetics (formerly Invitae), Labcorp
Classification: Pathogenic. Last evaluated: 2023-08-23. Review status: criteria provided, single submitter. Criteria: Invitae Variant Classification Sherloc (09022015). Collection method: clinical testing. Allele origin: germline.
Comment: This sequence change creates a premature translational stop signal (p.Arg70Glnfs*59) in the LMX1B gene. It is expected to result in an absent or disrupted protein product. Loss-of-function variants in LMX1B are known to be pathogenic (PMID: 9590287, 15498463). This variant is not present in population databases (gnomAD no frequency). This variant has not been reported in the literature in individuals affected with LMX1B-related conditions. For these reasons, this variant has been classified as Pathogenic.

Literature cited by the submitters: PubMed 9590287; PubMed 15498463.